The following is an entry in ClinVar:

NM_000093.5(COL5A1):c.576C>A (p.Asp192Glu)

Gene: COL5A1 (collagen type V alpha 1 chain; plus strand). Cytogenetic location: 9q34.3.
Variant type: single nucleotide variant.
Coding change: c.576C>A on transcript NM_000093.5 (MANE Select); coding-DNA position 576, C replaced by A.
Protein change: p.Asp192Glu; replaces aspartic acid 192 with glutamic acid.
Molecular consequence: missense variant.
Genome position (GRCh38, 1-based): chr9:134,701,255, C>A. VCF-style: chr9-134701255-C-A. GRCh37 (hg19) VCF-style: chr9-137593101-C-A.
Other names: c.576C>A, p.Asp192Glu (NM_001278074.1); short protein forms D192E.
Identifiers: ClinVar variation 1953112 (VCV001953112.6), dbSNP rs1226994577, ClinGen allele CA375443381.

ClinVar aggregate classification (germline): Conflicting classifications of pathogenicity. Review status: criteria provided, conflicting classifications (1 of 4 stars). 2 submissions from 2 submitters: Uncertain significance (1); Benign (1). Last evaluated 2023-09-29.

Conditions:
Ehlers-Danlos syndrome, classic type, 1 (EDSCL1). Also called: EHLERS-DANLOS SYNDROME, GRAVIS TYPE; EHLERS-DANLOS SYNDROME, SEVERE CLASSIC TYPE; Ehlers-Danlos syndrome, type 1; EDS I; Ehlers-Danlos Syndrome, Classic Type, COL5A1-Related. Identifiers: MedGen C0268335, MONDO:0019567, OMIM 130000.
COL5A1-related disorder. Also called: COL5A1-related condition.

gnomAD v4.1: 2 of 1,614,012 alleles (0.00012%); highest among the groups gnomAD compares: Non-Finnish European, 0.00017%; no homozygotes.

Submissions (2):

PreventionGenetics, part of Exact Sciences
Classification: Uncertain significance for COL5A1-related condition. Last evaluated: 2023-09-29. Review status: criteria provided, single submitter. Criteria: ACMG Guidelines, 2015. Collection method: clinical testing. Allele origin: germline.
Comment: The COL5A1 c.576C>A variant is predicted to result in the amino acid substitution p.Asp192Glu. To our knowledge, this variant has not been reported in the literature. This variant is reported in 0.00089% of alleles in individuals of European (Non-Finnish) descent in gnomAD. At this time, the clinical significance of this variant is uncertain due to the absence of conclusive functional and genetic evidence.

Labcorp Genetics (formerly Invitae), Labcorp
Classification: Benign for Ehlers-Danlos syndrome, classic type, 1. Last evaluated: 2022-12-20. Review status: criteria provided, single submitter. Criteria: Invitae Variant Classification Sherloc (09022015). Collection method: clinical testing. Allele origin: germline.